The following is an entry in ClinVar:

NM_014314.4(RIGI):c.719C>T (p.Pro240Leu)

Gene: RIGI (RNA sensor RIG-I; minus strand). Cytogenetic location: 9p21.1.
Variant type: single nucleotide variant.
Coding change: c.719C>T on transcript NM_014314.4 (MANE Select); coding-DNA position 719, C replaced by T.
Protein change: p.Pro240Leu; replaces proline 240 with leucine.
Molecular consequence: missense variant.
Genome position (GRCh38, 1-based): chr9:32,489,424, G>A on the plus strand (C>T on the coding strand, the complement: RIGI is on the minus strand). VCF-style: chr9-32489424-G-A. GRCh37 (hg19) VCF-style: chr9-32489422-G-A.
Other names: c.719C>T, p.Pro240Leu (NM_001385907.1, NM_001385909.1); c.278C>T, p.Pro93Leu (NM_001385910.1); c.110C>T, p.Pro37Leu (NM_001385912.1); c.704C>T, p.Pro235Leu (NM_001385913.1); c.275C>T, p.Pro92Leu (NM_001385914.1); short protein forms P37L, P93L, P240L, P235L, P92L.
Identifiers: ClinVar variation 3154292 (VCV003154292.3), dbSNP rs747869410, ClinGen allele CA5020001.

ClinVar aggregate classification (germline): Uncertain significance. Review status: criteria provided, multiple submitters, no conflicts (2 of 4 stars). 2 submissions from 2 submitters: Uncertain significance (2). Last evaluated 2025-05-13.

Conditions:
Inborn genetic diseases. Identifiers: MedGen C0950123, MeSH D030342.

Allele frequency attached by ClinVar (database versions not stated): gnomAD exomes below 0.00001; ExAC 0.00002.
gnomAD v4.1: 2 of 1,613,078 alleles (0.00012%); highest among the groups gnomAD compares: Non-Finnish European, 0.00017%; no homozygotes.

Submissions (2):

Labcorp Genetics (formerly Invitae), Labcorp
Classification: Uncertain significance. Last evaluated: 2025-05-13. Review status: criteria provided, single submitter. Criteria: Invitae Variant Classification Sherloc (09022015). Collection method: clinical testing. Allele origin: germline.
Comment: This sequence change replaces proline, which is neutral and non-polar, with leucine, which is neutral and non-polar, at codon 240 of the DDX58 protein (p.Pro240Leu). The frequency data for this variant in the population databases is considered unreliable, as metrics indicate poor data quality at this position in the gnomAD database. This variant has not been reported in the literature in individuals affected with DDX58-related conditions. ClinVar contains an entry for this variant (Variation ID: 3154292). Invitae Evidence Modeling of protein sequence and biophysical properties (such as structural, functional, and spatial information, amino acid conservation, physicochemical variation, residue mobility, and thermodynamic stability) indicates that this missense variant is not expected to disrupt DDX58 protein function with a negative predictive value of 80%. In summary, the available evidence is currently insufficient to determine the role of this variant in disease. Therefore, it has been classified as a Variant of Uncertain Significance.

Ambry Genetics
Classification: Uncertain significance for Inborn genetic diseases. Last evaluated: 2024-01-04. Review status: criteria provided, single submitter. Criteria: Ambry Variant Classification Scheme 2023. Collection method: clinical testing. Allele origin: germline.